The following is an entry in ClinVar:

NM_206926.2(SELENON):c.715G>A (p.Gly239Arg)

Gene: SELENON (selenoprotein N; plus strand). Cytogenetic location: 1p36.11.
Variant type: single nucleotide variant.
Coding change: c.715G>A on transcript NM_206926.2 (MANE Select); coding-DNA position 715, G replaced by A.
Protein change: p.Gly239Arg; replaces glycine 239 with arginine.
Molecular consequence: missense variant.
Genome position (GRCh38, 1-based): chr1:25,809,095, G>A. VCF-style: chr1-25809095-G-A. GRCh37 (hg19) VCF-style: chr1-26135586-G-A.
Other names: c.817G>A, p.Gly273Arg (NM_020451.3); short protein forms G239R, G273R.
Identifiers: ClinVar variation 1701097 (VCV001701097.39), dbSNP rs2124448034, ClinGen allele CA339113882.

ClinVar aggregate classification (germline): Pathogenic/Likely pathogenic. Review status: criteria provided, multiple submitters, no conflicts (2 of 4 stars). 5 submissions from 5 submitters: Pathogenic (3); Likely pathogenic (2). Last evaluated 2025-01-13.

Conditions:
Eichsfeld type congenital muscular dystrophy (CMYO3). Also called: SELENON-related myopathy; Congenital myopathy 3 with rigid spine; MYOPATHY, SEPN1-RELATED; Rigid spine muscular dystrophy 1. Identifiers: MedGen C0410180, MONDO:0100100, OMIM 602771.

Allele frequency attached by ClinVar (database versions not stated): gnomAD exomes below 0.00001.
gnomAD v4.1: 2 of 1,613,828 alleles (0.00012%); highest among the groups gnomAD compares: Middle Eastern, 0.016%; no homozygotes.

Submissions (5):

Institute of Medical Genetics and Applied Genomics, University Hospital Tübingen
Classification: Pathogenic for Eichsfeld type congenital muscular dystrophy. Last evaluated: 2025-01-13. Review status: criteria provided, single submitter. Criteria: ACMG Guidelines, 2015. Collection method: clinical testing. Allele origin: germline. Inheritance: Autosomal recessive inheritance. Affected: yes.

Women's Health and Genetics/Laboratory Corporation of America, LabCorp
Classification: Pathogenic for Eichsfeld type congenital muscular dystrophy. Last evaluated: 2024-03-01. Review status: criteria provided, single submitter. Criteria: LabCorp Variant Classification Summary - May 2015. Collection method: clinical testing. Allele origin: germline.
Comment: Variant summary: SELENON c.817G>A (p.Gly273Arg) results in a non-conservative amino acid change in the encoded protein sequence. Five of five in-silico tools predict a damaging effect of the variant on protein function. The variant was absent in 249288 control chromosomes (gnomAD). c.817G>A has been reported in the literature in multiple individuals affected with congenital muscular dystrophy with spinal rigidity (examples: Moghadaszadeh_2001, Borklu-Yucel_2020) and multi-minicore disease (example: Herasse_2007). These data indicate that the variant is very likely to be associated with disease. The following publications have been ascertained in the context of this evaluation (PMID: 32140910, 17204937, 11528383). ClinVar contains an entry for this variant (Variation ID: 1701097). Based on the evidence outlined above, the variant was classified as pathogenic.

Kariminejad - Najmabadi Pathology & Genetics Center
Classification: Likely pathogenic for Eichsfeld type congenital muscular dystrophy. Last evaluated: 2022-08-18. Review status: criteria provided, single submitter. Criteria: ACMG Guidelines, 2015. Collection method: clinical testing. Allele origin: germline. Inheritance: Autosomal recessive inheritance. Affected: yes.
Comment: [PM2 PP3]+PM1 PM5?

MGZ Medical Genetics Center
Classification: Likely pathogenic for Eichsfeld type congenital muscular dystrophy. Last evaluated: 2022-06-07. Review status: criteria provided, single submitter. Criteria: ACMG Guidelines, 2015. Collection method: clinical testing. Allele origin: germline. Affected: yes. Observed: 1 variant allele.
Comment: ACMG criteria applied: PS4_MOD, PM3, PM2_SUP, PM5_SUP, PP1, PP3

CeGaT Center for Human Genetics Tuebingen
Classification: Pathogenic. Last evaluated: 2021-05-01. Review status: criteria provided, single submitter. Criteria: CeGaT Center For Human Genetics Tuebingen Variant Classification Criteria Version 2. Collection method: clinical testing. Allele origin: germline. Affected: yes. Observed: 1 variant allele.

Literature cited by the submitters: PubMed 32140910 (cited by Women's Health and Genetics/Laboratory Corporation of America, LabCorp); PubMed 17204937 (cited by Women's Health and Genetics/Laboratory Corporation of America, LabCorp); PubMed 11528383 (cited by Women's Health and Genetics/Laboratory Corporation of America, LabCorp).